The following is an entry in ClinVar:

NM_000755.5(CRAT):c.1160C>G (p.Pro387Arg)

Gene: CRAT (carnitine O-acetyltransferase; minus strand). Cytogenetic location: 9q34.11.
Variant type: single nucleotide variant.
Coding change: c.1160C>G on transcript NM_000755.5 (MANE Select); coding-DNA position 1160, C replaced by G.
Protein change: p.Pro387Arg; replaces proline 387 with arginine.
Molecular consequence: missense variant.
Genome position (GRCh38, 1-based): chr9:129,098,576, G>C on the plus strand (C>G on the coding strand, the complement: CRAT is on the minus strand). VCF-style: chr9-129098576-G-C. GRCh37 (hg19) VCF-style: chr9-131860855-G-C.
Other names: c.1097C>G, p.Pro366Arg (NM_001257363.3, NM_001346548.2, NM_004003.4); c.1163C>G, p.Pro388Arg (NM_001346546.2); c.1160C>G, p.Pro387Arg (NM_001346547.2); c.1040C>G, p.Pro347Arg (NM_001346549.2); short protein forms P347R, P387R, P388R, P366R.
Identifiers: ClinVar variation 1499670 (VCV001499670.6), dbSNP rs764081352, ClinGen allele CA375141679.

ClinVar aggregate classification (germline): Uncertain significance (1 of 4 stars; one submission).

Submission:

Labcorp Genetics (formerly Invitae), Labcorp
Classification: Uncertain significance. Last evaluated: 2021-11-03. Review status: criteria provided, single submitter. Criteria: Invitae Variant Classification Sherloc (09022015). Collection method: clinical testing. Allele origin: germline.
Comment: This sequence change replaces proline, which is neutral and non-polar, with arginine, which is basic and polar, at codon 387 of the CRAT protein (p.Pro387Arg). This variant is not present in population databases (gnomAD no frequency). This variant has not been reported in the literature in individuals affected with CRAT-related conditions. Algorithms developed to predict the effect of missense changes on protein structure and function are either unavailable or do not agree on the potential impact of this missense change (SIFT: "Deleterious"; PolyPhen-2: "Possibly Damaging"; Align-GVGD: "Class C0"). In summary, the available evidence is currently insufficient to determine the role of this variant in disease. Therefore, it has been classified as a Variant of Uncertain Significance.